The following is an entry in ClinVar:

NM_001365276.2(TNXB):c.6642G>T (p.Trp2214Cys)

Gene: TNXB (tenascin XB; minus strand). Cytogenetic location: 6p21.33.
Variant type: single nucleotide variant.
Coding change: c.6642G>T on transcript NM_001365276.2 (MANE Select); coding-DNA position 6642, G replaced by T.
Protein change: p.Trp2214Cys; replaces tryptophan 2214 with cysteine.
Molecular consequence: missense variant.
Genome position (GRCh38, 1-based): chr6:32,065,020, C>A on the plus strand (G>T on the coding strand, the complement: TNXB is on the minus strand). VCF-style: chr6-32065020-C-A. GRCh37 (hg19) VCF-style: chr6-32032797-C-A.
Other names: c.7383G>T, p.Trp2461Cys (NM_001428335.1); c.6642G>T, p.Trp2214Cys (NM_019105.8); short protein forms W2214C, W2461C.
Identifiers: ClinVar variation 3459749 (VCV003459749.1).

ClinVar aggregate classification (germline): Uncertain significance (1 of 4 stars; one submission).

Conditions:
Cardiovascular phenotype. Identifiers: MedGen CN230736.

gnomAD v4.1: 1 of 1,610,426 alleles (0.000062%); highest among the groups gnomAD compares: Non-Finnish European, 0.000085%; no homozygotes.

Submission:

Ambry Genetics
Classification: Uncertain significance for Cardiovascular phenotype. Last evaluated: 2024-07-07. Review status: criteria provided, single submitter. Criteria: Ambry Variant Classification Scheme 2023. Collection method: clinical testing. Allele origin: germline.
Comment: The p.W2214C variant (also known as c.6642G>T), located in coding exon 18 of the TNXB gene, results from a G to T substitution at nucleotide position 6642. The tryptophan at codon 2214 is replaced by cysteine, an amino acid with highly dissimilar properties. This amino acid position is conserved. In addition, this alteration is predicted to be deleterious by in silico analysis. Based on the available evidence, the clinical significance of this variant remains unclear.